The following is an entry in ClinVar:

NM_014874.4(MFN2):c.2235C>T (p.Leu745=)

Gene: MFN2 (mitofusin 2; plus strand). Cytogenetic location: 1p36.22.
Variant type: single nucleotide variant.
Coding change: c.2235C>T on transcript NM_014874.4 (MANE Select); coding-DNA position 2235, C replaced by T.
Protein change: p.Leu745=; no amino-acid change (leucine 745 retained).
Molecular consequence: synonymous variant.
Genome position (GRCh38, 1-based): chr1:12,011,526, C>T. VCF-style: chr1-12011526-C-T. GRCh37 (hg19) VCF-style: chr1-12071583-C-T.
Other names: c.2235C>T, p.Leu745= (NM_001127660.2).
Identifiers: ClinVar variation 3684859 (VCV003684859.2).
Genomic context (GRCh38, chr1:12,011,526, plus strand): 5'-CATGGTTACAAAAGAACCATTTCTTTGCAGGAATAAAGCCGGTTGGTTGGACAGTGAGCT[C>T]AACATGTTCACACACCAGTACCTGCAGCCCAGCAGATAGTGGGCACCTGAGGCGGAGTCT-3'
Protein context (NP_055689.1, residues 735-755): RNKAGWLDSE[Leu745=]NMFTHQYLQP

ClinVar aggregate classification (germline): Uncertain significance (1 of 4 stars; one submission).

Conditions:
Charcot-Marie-Tooth disease type 2. Also called: Charcot-Marie-Tooth type 2. Identifiers: Orphanet 64746, MedGen C0270914, MONDO:0018993.

gnomAD v4.1: 3 of 1,614,172 alleles (0.00019%); highest among the groups gnomAD compares: Non-Finnish European, 0.00025%; no homozygotes.

Submission:

Labcorp Genetics (formerly Invitae), Labcorp
Classification: Uncertain significance for Charcot-Marie-Tooth disease type 2. Last evaluated: 2025-01-16. Review status: criteria provided, single submitter. Criteria: Invitae Variant Classification Sherloc (09022015). Collection method: clinical testing. Allele origin: germline.
Comment: This sequence change affects codon 745 of the MFN2 mRNA. It is a 'silent' change, meaning that it does not change the encoded amino acid sequence of the MFN2 protein. This variant is not present in population databases (gnomAD no frequency). This variant has not been reported in the literature in individuals affected with MFN2-related conditions. Algorithms developed to predict the effect of sequence changes on RNA splicing suggest that this variant may disrupt the consensus splice site. In summary, the available evidence is currently insufficient to determine the role of this variant in disease. Therefore, it has been classified as a Variant of Uncertain Significance.